The following is an entry in ClinVar:

NM_001197104.2(KMT2A):c.4906C>T (p.Arg1636Ter)

Gene: KMT2A (lysine methyltransferase 2A; plus strand). Cytogenetic location: 11q23.3.
Variant type: single nucleotide variant.
Coding change: c.4906C>T on transcript NM_001197104.2 (MANE Select); coding-DNA position 4906, C replaced by T.
Protein change: p.Arg1636Ter; replaces arginine 1636 with a stop codon.
Molecular consequence: nonsense.
Genome position (GRCh38, 1-based): chr11:118,491,830, C>T. VCF-style: chr11-118491830-C-T. GRCh37 (hg19) VCF-style: chr11-118362545-C-T.
Other names: NC_000011.9:g.118362545C>T; c.4897C>T, p.Arg1633Ter (NM_005933.4); short protein forms R1633*, R1636*.
Identifiers: ClinVar variation 666288 (VCV000666288.7), dbSNP rs1591266263, ClinGen allele CA382834827.

ClinVar aggregate classification (germline): Pathogenic/Likely pathogenic. Review status: criteria provided, multiple submitters, no conflicts (2 of 4 stars). 5 submissions from 5 submitters: Pathogenic (4); Likely pathogenic (1). Last evaluated 2024-10-15.

Conditions:
Wiedemann-Steiner syndrome (WDSTS). Also called: Growth deficiency and mental retardation with facial dysmorphism. Identifiers: Orphanet 319182, MedGen C1854630, MONDO:0011518, OMIM 605130.
KMT2A-related disorder. Also called: KMT2A-related condition.
Inborn genetic diseases. Identifiers: MedGen C0950123, MeSH D030342.

Submissions (6):

Ambry Genetics
Classification: Pathogenic for Inborn genetic diseases. Last evaluated: 2024-10-15. Review status: criteria provided, single submitter. Criteria: Ambry Variant Classification Scheme 2023. Collection method: clinical testing. Allele origin: germline.
Comment: The c.4906C>T (p.R1636*) alteration, located in exon 15 (coding exon 15) of the KMT2A gene, consists of a C to T substitution at nucleotide position 4906. This changes the amino acid from an arginine (R) to a stop codon at amino acid position 1636. This alteration is expected to result in loss of function by premature protein truncation or nonsense-mediated mRNA decay. This variant was not reported in population-based cohorts in the Genome Aggregation Database (gnomAD). This variant has been determined to be the result of a de novo mutation in one individual with features consistent with Wiedemann-Steiner syndrome (Steel, 2015). Based on the available evidence, this alteration is classified as pathogenic.

Blueprint Genetics
Classification: Pathogenic for KMT2A-related disorders. Last evaluated: 2024-07-11. Review status: criteria provided, single submitter. Criteria: ACMG Guidelines, 2015. Collection method: clinical testing. Allele origin: germline. Affected: yes. Observed: 1 variant allele.

GeneDx
Classification: Pathogenic. Last evaluated: 2022-07-15. Review status: criteria provided, single submitter. Criteria: GeneDx Variant Classification Process June 2021. Collection method: clinical testing. Allele origin: germline. Affected: yes.
Comment: Nonsense variant predicted to result in protein truncation or nonsense mediated decay in a gene for which loss-of-function is a known mechanism of disease; Not observed in large population cohorts (gnomAD); This variant is associated with the following publications: (PMID: 26690532, 31168168, 33565066, 29574747)

AiLife Diagnostics
Classification: Pathogenic. Last evaluated: 2021-06-03. Review status: criteria provided, single submitter. Criteria: ACMG Guidelines, 2015. Collection method: clinical testing. Allele origin: de novo. Affected: yes. Observed: 1 variant allele.

Equipe Genetique des Anomalies du Developpement, Université de Bourgogne
Classification: Likely pathogenic for Wiedemann-Steiner syndrome. Last evaluated: 2014-01-01. Review status: criteria provided, single submitter. Criteria: ACMG Guidelines, 2007. Collection method: clinical testing. Allele origin: de novo. Affected: yes.

Dr. Peter K. Rogan Lab, Western University
No classification provided (evidence only). Condition: Squamous cell carcinoma of the head and neck. Review status: no classification provided. Collection method: in vitro. Allele origin: not applicable. Functional consequence: retained intron. Not counted in ClinVar's aggregate classification.

Literature cited by the submitters: PubMed 26690532 (cited by Ambry Genetics and AiLife Diagnostics); PubMed 29574747 (cited by AiLife Diagnostics).